The following is an entry in ClinVar:

NM_001395891.1(CLASP1):c.196-661del

Genes: CLASP1 (cytoplasmic linker associated protein 1; minus strand), CLASP1-AS1 (CLASP1 antisense RNA 1; plus strand), RNU4ATAC (RNA, U4atac small nuclear; plus strand). Cytogenetic location: 2q14.2.
Variant type: Deletion.
Coding change: c.196-661del on transcript NM_001395891.1 (MANE Select); 661 bases into the intron before coding-DNA position 196, one base deleted (A; older notation c.196-661delA).
Molecular consequence: intron variant.
Genome position (GRCh38, 1-based): chr2:121,530,986, T deleted on the plus strand (A on the coding strand, the reverse complement: CLASP1 is on the minus strand); the first of 4 consecutive T bases (chr2:121,530,986-121,530,989); deleting any one gives the same sequence. VCF-style (leftmost placement, unchanged base first): chr2-121530985-AT-A. GRCh37 (hg19) VCF-style: chr2-122288561-AT-A.
Other names: c.196-661del (NM_001378003.1, NM_001378004.1, NM_001142273.2 and 4 more transcripts); c.196-661delA (NM_015282.2).
Identifiers: ClinVar variation 1535896 (VCV001535896.10), dbSNP rs571331160, ClinGen allele CA1854742.

ClinVar aggregate classification (germline): Benign. Review status: criteria provided, single submitter (1 of 4 stars). 2 submissions from 2 submitters: Benign (1). 1 of the submissions does not count toward it. Last evaluated 2025-11-11.

Conditions:
CLASP1-related disorder. Also called: CLASP1-related condition.

Submissions (2):

Labcorp Genetics (formerly Invitae), Labcorp
Classification: Benign. Last evaluated: 2025-11-11. Review status: criteria provided, single submitter. Criteria: Invitae Variant Classification Sherloc (09022015). Collection method: clinical testing. Allele origin: germline.

PreventionGenetics, part of Exact Sciences
Classification: Likely benign for CLASP1-related condition. Last evaluated: 2024-03-13. Review status: no assertion criteria provided. Collection method: clinical testing. Allele origin: germline. Not counted in ClinVar's aggregate classification.
Comment: This variant is classified as likely benign based on ACMG/AMP sequence variant interpretation guidelines (Richards et al. 2015 PMID: 25741868, with internal and published modifications).